The following is an entry in ClinVar:

NM_018646.6(TRPV6):c.969C>T (p.Ile323=)

Gene: TRPV6 (transient receptor potential cation channel subfamily V member 6; minus strand). Cytogenetic location: 7q34.
Variant type: single nucleotide variant.
Coding change: c.969C>T on transcript NM_018646.6 (MANE Select); coding-DNA position 969, C replaced by T.
Protein change: p.Ile323=; no amino-acid change (isoleucine 323 retained).
Molecular consequence: synonymous variant.
Genome position (GRCh38, 1-based): chr7:142,875,818, G>A on the plus strand (C>T on the coding strand, the complement: TRPV6 is on the minus strand). VCF-style: chr7-142875818-G-A. GRCh37 (hg19) VCF-style: chr7-142573571-G-A.
Identifiers: ClinVar variation 734751 (VCV000734751.10), dbSNP rs147743048, ClinGen allele CA4532675.
Genomic context (GRCh38, chr7:142,875,818, plus strand): 5'-CTCCCGCTTCTTGGTGGTGATGATAAGTTCCAGCAGGGACTGCTCATCCCCTGAGGAGTC[G>A]ATCTCTGTGAGGTCATAGAGAGTCGAGGTCAGTGGTCCATACGTCCACTGGGTGTGCTTC-3'
Protein context (NP_061116.5, residues 313-333): LTSTLYDLTE[Ile323=]DSSGDEQSLL

ClinVar aggregate classification (germline): Likely benign. Review status: criteria provided, multiple submitters, no conflicts (2 of 4 stars). 4 submissions from 4 submitters: Likely benign (3). 1 of the submissions does not count toward it. Last evaluated 2026-01-19.

Conditions:
TRPV6-related disorder. Also called: TRPV6-related condition.

Allele frequency attached by ClinVar (database versions not stated): 1000 Genomes Project 30x 0.00016; 1000 Genomes Project 0.00020; ESP Exome Variant Server 0.00038; gnomAD 0.00094 and 0.00097; TOPMed 0.00112.
gnomAD v4.1: 1,994 of 1,612,126 alleles (0.12%); highest among the groups gnomAD compares: Middle Eastern, 1.1%; 10 homozygotes.

Submissions (4):

Labcorp Genetics (formerly Invitae), Labcorp
Classification: Likely benign. Last evaluated: 2026-01-19. Review status: criteria provided, single submitter. Criteria: Invitae Variant Classification Sherloc (09022015). Collection method: clinical testing. Allele origin: germline.

Blueprint Genetics
Classification: Likely benign. Last evaluated: 2024-10-17. Review status: criteria provided, single submitter. Criteria: ACMG Guidelines, 2015. Collection method: clinical testing. Allele origin: germline.

Breakthrough Genomics
Classification: Likely benign. Review status: criteria provided, single submitter. Criteria: ACMG Guidelines, 2015. Collection method: not provided. Allele origin: germline. Inheritance: Autosomal recessive inheritance. Affected: yes.

PreventionGenetics, part of Exact Sciences
Classification: Likely benign for TRPV6-related condition. Last evaluated: 2019-04-29. Review status: no assertion criteria provided. Collection method: clinical testing. Allele origin: germline. Not counted in ClinVar's aggregate classification.
Comment: This variant is classified as likely benign based on ACMG/AMP sequence variant interpretation guidelines (Richards et al. 2015 PMID: 25741868, with internal and published modifications).